The following is an entry in ClinVar:

NM_001029896.2(WDR45):c.626C>A (p.Ser209Ter)

Gene: WDR45 (WD repeat domain 45; minus strand). Cytogenetic location: Xp11.23.
Variant type: single nucleotide variant.
Coding change: c.626C>A on transcript NM_001029896.2 (MANE Select); coding-DNA position 626, C replaced by A.
Protein change: p.Ser209Ter; replaces serine 209 with a stop codon.
Molecular consequence: nonsense.
Genome position (GRCh38, 1-based): chrX:49,075,644, G>T on the plus strand (C>A on the coding strand, the complement: WDR45 is on the minus strand). VCF-style: chrX-49075644-G-T. GRCh37 (hg19) VCF-style: chrX-48933303-G-T.
Other names: c.629C>A, p.Ser210Ter (NM_007075.4); short protein forms S210*, S209*.
Identifiers: ClinVar variation 4795914 (VCV004795914.1).
Genomic context (GRCh38, chrX:49,075,644, plus strand): 5'-ACCAGTTTCTCCTTGGATTGTGTGTCAAAGAGGCGAATAAGGGTACCCTTCTGGGAGGCT[G>T]AGGCCACTACAGTGCCTGGCTGGTTTAGAGACACACAGGCTATGTCACTCTGATGTGCAT-3'

ClinVar aggregate classification (germline): Pathogenic (1 of 4 stars; one submission).

Conditions:
Neurodegeneration with brain iron accumulation 5 (NBIA5). Also called: STATIC ENCEPHALOPATHY OF CHILDHOOD WITH NEURODEGENERATION IN ADULTHOOD; Beta-propeller protein-associated neurodegeneration. Identifiers: Orphanet 329284, MedGen C3550973, MONDO:0010476, OMIM 300894.

Submission:

Variantyx, Inc.
Classification: Pathogenic for Neurodegeneration with brain iron accumulation 5. Last evaluated: 2025-07-31. Review status: criteria provided, single submitter. Criteria: Variantyx Assertion Criteria 2022. Collection method: clinical testing. Allele origin: maternal. Inheritance: X-linked dominant inheritance.
Comment: This is a nonsense variant in the WDR45 gene (OMIM: 300526). Pathogenic variants in this gene have been associated with X-linked neurodegeneration with brain iron accumulation 5. This variant introduces a premature termination codon in exon 8 out of 11 and is expected to result in loss of function, which is a known disease mechanism for WDR45 in this disorder (PMID: 23687123) (PVS1). This variant is absent from control populations (PM2) and has not been reported in individuals with WDR45-related disorders in the databases available for review. Based on the current evidence, this variant is classified as pathogenic for X-linked neurodegeneration with brain iron accumulation 5.

Literature cited by the submitters: PubMed 23687123.